The following is an entry in ClinVar:

ClinVar aggregate classification (germline): Uncertain significance (1 of 4 stars; one submission).

Conditions:
Familial thoracic aortic aneurysm and aortic dissection (TAAD). Also called: Thoracic aortic aneurysms and dissections. Identifiers: Orphanet 91387, MedGen C4707243, MONDO:0019625.

Submission:

All of Us Research Program, National Institutes of Health
Classification: Uncertain significance for Familial thoracic aortic aneurysm and aortic dissection. Last evaluated: 2023-12-13. Review status: criteria provided, single submitter. Criteria: ACMG Guidelines, 2015. Collection method: clinical testing. Allele origin: germline. Inheritance: Autosomal dominant inheritance. Observed: 1 variant allele, 1 heterozygote.
Comment: This missense variant replaces arginine with glutamine at codon 248 of the MYH11 protein. Computational prediction suggests that this variant may have deleterious impact on protein structure and function (internally defined REVEL score threshold >= 0.7, PMID: 27666373). To our knowledge, functional studies have not been reported for this variant. This variant has not been reported in individuals affected with MYH11-related disorders in the literature. This variant has been identified in 1/251226 chromosomes in the general population by the Genome Aggregation Database (gnomAD). The available evidence is insufficient to determine the role of this variant in disease conclusively. Therefore, this variant is classified as a Variant of Uncertain Significance.

This study involves interpretation of variants in research participants for the purpose of population health screening. Participant phenotype was not available at the time of variant classification. Additional details can be found in publication PMID: 35346344, PMCID: PMC8962531

NM_002474.3(MYH11):c.722G>A (p.Arg241Gln)

Gene: MYH11 (myosin heavy chain 11; minus strand). Cytogenetic location: 16p13.11.
Variant type: single nucleotide variant.
Coding change: c.722G>A on transcript NM_002474.3 (MANE Select); coding-DNA position 722, G replaced by A.
Protein change: p.Arg241Gln; replaces arginine 241 with glutamine.
Molecular consequence: missense variant.
Genome position (GRCh38, 1-based): chr16:15,782,389, C>T on the plus strand (G>A on the coding strand, the complement: MYH11 is on the minus strand). VCF-style: chr16-15782389-C-T. GRCh37 (hg19) VCF-style: chr16-15876246-C-T.
Other names: c.743G>A, p.Arg248Gln (NM_001040113.2, NM_001040114.2); c.722G>A, p.Arg241Gln (NM_022844.3); short protein forms R241Q, R248Q.
Identifiers: ClinVar variation 3074843 (VCV003074843.1), dbSNP rs1249771233, ClinGen allele CA394870680.
Genomic context (GRCh38, chr16:15,782,389, plus strand): 5'-AGGCAGGAGATGACACCAAAGCTTTTCTGGAAAATCCATGTGGCTTTGCTACTTACGAAT[C>T]GTGAGGAGTTGTCGTTCTTCACTGTTTTGGCGTTGCCGAAAGCCTCCAGAATCGGGTTTG-3'
Protein context (NP_002465.1, residues 231-251): AKTVKNDNSS[Arg241Gln]FGKFIRINFD